The following is an entry in ClinVar:

ClinVar aggregate classification (germline): Uncertain significance (1 of 4 stars; one submission).

Conditions:
GRIN2B-related disorder. Also called: GRIN2B-related condition.

Submission:

PreventionGenetics, part of Exact Sciences
Classification: Uncertain significance for GRIN2B-related condition. Last evaluated: 2026-05-28. Review status: criteria provided, single submitter. Criteria: ACMG Guidelines, 2015. Collection method: clinical testing. Allele origin: germline.
Comment: The GRIN2B c.1611G>A variant is predicted to result in the amino acid substitution p.Met537Ile. To our knowledge, this variant has not been reported in the literature or in a large population database (gnomAD), indicating this variant is rare. At this time, the clinical significance of this variant is uncertain due to the absence of conclusive functional and genetic evidence.

NM_000834.5(GRIN2B):c.1611G>A (p.Met537Ile)

Gene: GRIN2B (glutamate ionotropic receptor NMDA type subunit 2B; minus strand). Cytogenetic location: 12p13.1.
Variant type: single nucleotide variant.
Coding change: c.1611G>A on transcript NM_000834.5 (MANE Select); coding-DNA position 1611, G replaced by A.
Protein change: p.Met537Ile; replaces methionine 537 with isoleucine.
Molecular consequence: missense variant.
Genome position (GRCh38, 1-based): chr12:13,615,157, C>T on the plus strand (G>A on the coding strand, the complement: GRIN2B is on the minus strand). VCF-style: chr12-13615157-C-T. GRCh37 (hg19) VCF-style: chr12-13768091-C-T.
Other names: c.1611G>A, p.Met537Ile (NM_001413992.1); short protein forms M537I.
Identifiers: ClinVar variation 4991173 (VCV004991173.1).